The following is an entry in ClinVar:

NM_001370466.1(NOD2):c.1932dup (p.Gln645fs)

Gene: NOD2 (nucleotide binding oligomerization domain containing 2; plus strand). Cytogenetic location: 16q12.1.
Variant type: Duplication.
Coding change: c.1932dup on transcript NM_001370466.1 (MANE Select); coding-DNA position 1932, one base duplicated (T; older notation c.1932dupT).
Protein change: p.Gln645fs; shifts the reading frame from glutamine 645.
Molecular consequence: frameshift variant. On other transcripts: non-coding transcript variant (1).
Genome position (GRCh38, 1-based): chr16:50,711,924, T duplicated; the last of 2 consecutive T bases (chr16:50,711,923-50,711,924); duplicating either gives the same sequence. VCF-style (leftmost placement, unchanged base first): chr16-50711922-C-CT. GRCh37 (hg19) VCF-style: chr16-50745833-C-CT.
Other names: c.1932dup, p.Gln645fs (NM_001293557.2); c.2013dup, p.Gln672fs (NM_022162.3); short protein forms Q645fs, Q672fs.
Identifiers: ClinVar variation 3754638 (VCV003754638.2).
Genomic context (GRCh38, chr16:50,711,922, plus strand): 5'-GCCTCGGAGGGAAAGGACAGCAGCGTGGCAGCTTTGCTGCAGAAGGCCGAGCCGCACAAC[C>CT]TTCAGATCACAGCAGCCTTCCTGGCAGGGCTGTTGTCCCGGGAGCACTGGGGCCTGCTGG-3'

ClinVar aggregate classification (germline): Uncertain significance (1 of 4 stars; one submission).

Conditions:
Regional enteritis. Also called: Enteritis, Granulomatous. Identifiers: MedGen C0678202, MeSH D003424.
Blau syndrome (BLAUS). Also called: ARTHROCUTANEOUVEAL GRANULOMATOSIS; GRANULOMATOSIS, FAMILIAL JUVENILE SYSTEMIC; GRANULOMATOSIS, FAMILIAL, BLAU TYPE; GRANULOMATOUS INFLAMMATORY ARTHRITIS, DERMATITIS, AND UVEITIS, FAMILIAL; JABS SYNDROME. Identifiers: Orphanet 90340, MedGen C5201146, MONDO:0008523, OMIM 186580.

Submission:

Labcorp Genetics (formerly Invitae), Labcorp
Classification: Uncertain significance for Regional enteritis; Blau syndrome. Last evaluated: 2024-02-14. Review status: criteria provided, single submitter. Criteria: Invitae Variant Classification Sherloc (09022015). Collection method: clinical testing. Allele origin: germline.
Comment: This sequence change creates a premature translational stop signal (p.Gln672Serfs*21) in the NOD2 gene. It is expected to result in an absent or disrupted protein product. However, the current clinical and genetic evidence is not sufficient to establish whether loss-of-function variants in NOD2 cause disease. This variant is not present in population databases (gnomAD no frequency). This variant has not been reported in the literature in individuals affected with NOD2-related conditions. In summary, the available evidence is currently insufficient to determine the role of this variant in disease. Therefore, it has been classified as a Variant of Uncertain Significance.